The following is an entry in ClinVar:

NM_001244926.2(PRPF4):c.28-21T>A

Gene: PRPF4 (pre-mRNA splicing tri-snRNP complex factor PRPF4; plus strand). Cytogenetic location: 9q32.
Variant type: single nucleotide variant.
Coding change: c.28-21T>A on transcript NM_001244926.2 (MANE Select); 21 bases into the intron before coding-DNA position 28, T replaced by A.
Molecular consequence: intron variant.
Genome position (GRCh38, 1-based): chr9:113,276,527, T>A. VCF-style: chr9-113276527-T-A. GRCh37 (hg19) VCF-style: chr9-116038807-T-A.
Other names: c.-741-18T>A (NM_001322267.2); c.28-18T>A (NM_004697.5); c.-738-21T>A (NM_001322266.2).
Identifiers: ClinVar variation 2124380 (VCV002124380.4), dbSNP rs1832101486, ClinGen allele CA1128273339.
Genomic context (GRCh38, chr9:113,276,527, plus strand): 5'-AGGGTGAGCTTCATCCTCTGGTGAAGTCCGGTAAATTGCCAAGATTAAACCTTAGTTTAA[T>A]GCAGATCTTTGATTTAGCAGGCAACCAAAACTAAAGCACCCGACGACTTAGTTGCTCCGG-3'

ClinVar aggregate classification (germline): Uncertain significance (1 of 4 stars; one submission).

Allele frequency attached by ClinVar (database versions not stated): TOPMed below 0.00001; gnomAD 0.00001.
gnomAD v4.1: 2 of 1,613,824 alleles (0.00012%); highest among the groups gnomAD compares: African/African-American, 0.0013%; no homozygotes.

Submission:

Labcorp Genetics (formerly Invitae), Labcorp
Classification: Uncertain significance. Last evaluated: 2022-10-13. Review status: criteria provided, single submitter. Criteria: Invitae Variant Classification Sherloc (09022015). Collection method: clinical testing. Allele origin: germline.
Comment: This sequence change falls in intron 1 of the PRPF4 gene. It does not directly change the encoded amino acid sequence of the PRPF4 protein. This variant is not present in population databases (gnomAD no frequency). This variant has not been reported in the literature in individuals affected with PRPF4-related conditions. Algorithms developed to predict the effect of sequence changes on RNA splicing suggest that this variant may disrupt the consensus splice site. In summary, the available evidence is currently insufficient to determine the role of this variant in disease. Therefore, it has been classified as a Variant of Uncertain Significance.